The following is an entry in ClinVar:

ClinVar aggregate classification (germline): Conflicting classifications of pathogenicity. Review status: criteria provided, conflicting classifications (1 of 4 stars). 2 submissions from 2 submitters: Uncertain significance (1); Likely benign (1). Last evaluated 2024-01-13.

Conditions:
Cardiovascular phenotype. Identifiers: MedGen CN230736.
Dilated cardiomyopathy 1JJ (CMD1JJ). Identifiers: Orphanet 154, MedGen C3808935, MONDO:0014095, OMIM 615235.

Allele frequency attached by ClinVar (database versions not stated): gnomAD exomes below 0.00001.
gnomAD v4.1: 1 of 1,613,772 alleles (0.000062%); highest among the groups gnomAD compares: Non-Finnish European, 0.000085%; no homozygotes.

Submissions (2):

Ambry Genetics
Classification: Likely benign for Cardiovascular phenotype. Last evaluated: 2024-01-13. Review status: criteria provided, single submitter. Criteria: Ambry Variant Classification Scheme 2023. Collection method: clinical testing. Allele origin: germline.

Labcorp Genetics (formerly Invitae), Labcorp
Classification: Uncertain significance for Dilated cardiomyopathy 1JJ. Last evaluated: 2023-08-04. Review status: criteria provided, single submitter. Criteria: Invitae Variant Classification Sherloc (09022015). Collection method: clinical testing. Allele origin: germline.
Comment: Algorithms developed to predict the effect of missense changes on protein structure and function output the following: SIFT: "Not Available"; PolyPhen-2: "Benign"; Align-GVGD: "Not Available". The threonine amino acid residue is found in multiple mammalian species, which suggests that this missense change does not adversely affect protein function. In summary, the available evidence is currently insufficient to determine the role of this variant in disease. Therefore, it has been classified as a Variant of Uncertain Significance. ClinVar contains an entry for this variant (Variation ID: 641388). This variant has not been reported in the literature in individuals affected with LAMA4-related conditions. This variant is not present in population databases (gnomAD no frequency). This sequence change replaces methionine, which is neutral and non-polar, with threonine, which is neutral and polar, at codon 525 of the LAMA4 protein (p.Met525Thr).

NM_001105206.3(LAMA4):c.1595T>C (p.Met532Thr)

Gene: LAMA4 (laminin subunit alpha 4; minus strand). Cytogenetic location: 6q21.
Variant type: single nucleotide variant.
Coding change: c.1595T>C on transcript NM_001105206.3 (MANE Select); coding-DNA position 1595, T replaced by C.
Protein change: p.Met532Thr; replaces methionine 532 with threonine.
Molecular consequence: missense variant.
Genome position (GRCh38, 1-based): chr6:112,165,233, A>G on the plus strand (T>C on the coding strand, the complement: LAMA4 is on the minus strand). VCF-style: chr6-112165233-A-G. GRCh37 (hg19) VCF-style: chr6-112486435-A-G.
Other names: c.1574T>C, p.Met525Thr (NM_002290.5, NM_001105207.3); c.1574T>C (NM_002290.3); short protein forms M525T, M532T.
Identifiers: ClinVar variation 641388 (VCV000641388.11), dbSNP rs1583771680, ClinGen allele CA365368026.